The following is an entry in ClinVar:

ClinVar aggregate classification (germline): Pathogenic (1 of 4 stars; one submission).

Conditions:
Congenital myasthenic syndrome 10. Also called: Myasthenia, limb-girdle, familial. Identifiers: Orphanet 590, MedGen C1850792, MONDO:0009690, OMIM 254300.
Fetal akinesia deformation sequence 1 (FADS1). Also called: Fetal akinesia sequence; Pena-Shokeir syndrome type I. Identifiers: Orphanet 994, MedGen C1276035, MONDO:0100101, OMIM 208150, HP:0001989.

Allele frequency attached by ClinVar (database versions not stated): TOPMed below 0.00001.

Submission:

Labcorp Genetics (formerly Invitae), Labcorp
Classification: Pathogenic for Congenital myasthenic syndrome 10; Fetal akinesia deformation sequence 1. Last evaluated: 2026-01-09. Review status: criteria provided, single submitter. Criteria: Invitae Variant Classification Sherloc (09022015). Collection method: clinical testing. Allele origin: germline.
Comment: This sequence change creates a premature translational stop signal (p.Gln240*) in the DOK7 gene. It is expected to result in an absent or disrupted protein product. Loss-of-function variants in DOK7 are known to be pathogenic (PMID: 16794080, 16917026, 18626973, 19261599). This variant is not present in population databases (gnomAD no frequency). This variant has not been reported in the literature in individuals affected with DOK7-related conditions. ClinVar contains an entry for this variant (Variation ID: 2933131). For these reasons, this variant has been classified as Pathogenic.

Literature cited by the submitters: PubMed 16794080; PubMed 16917026; PubMed 18626973; PubMed 19261599.

NM_173660.5(DOK7):c.718C>T (p.Gln240Ter)

Genes: DOK7 (docking protein 7; plus strand), LOC129992118 (ATAC-STARR-seq lymphoblastoid silent region 15206; plus strand). Cytogenetic location: 4p16.3.
Variant type: single nucleotide variant.
Coding change: c.718C>T on transcript NM_173660.5 (MANE Select); coding-DNA position 718, C replaced by T.
Protein change: p.Gln240Ter; replaces glutamine 240 with a stop codon.
Molecular consequence: nonsense. On other transcripts: missense variant (1), 5 prime UTR variant (1).
Genome position (GRCh38, 1-based): chr4:3,489,742, C>T. VCF-style: chr4-3489742-C-T. GRCh37 (hg19) VCF-style: chr4-3491469-C-T.
Other names: c.707C>T, p.Thr236Ile (NM_001164673.2); c.-213C>T (NM_001256896.2); c.718C>T, p.Gln240Ter (NM_001301071.2); c.286C>T, p.Gln96Ter (NM_001363811.2); short protein forms Q96*, T236I, Q240*.
Identifiers: ClinVar variation 2933131 (VCV002933131.3), dbSNP rs1237414916, ClinGen allele CA356115573.